The following is an entry in ClinVar:

NM_001371928.1(AHDC1):c.254C>T (p.Pro85Leu)

Gene: AHDC1 (AT-hook DNA binding motif containing 1; minus strand). Cytogenetic location: 1p36.11.
Variant type: single nucleotide variant.
Coding change: c.254C>T on transcript NM_001371928.1 (MANE Select); coding-DNA position 254, C replaced by T.
Protein change: p.Pro85Leu; replaces proline 85 with leucine.
Molecular consequence: missense variant.
Genome position (GRCh38, 1-based): chr1:27,551,862, G>A on the plus strand (C>T on the coding strand, the complement: AHDC1 is on the minus strand). VCF-style: chr1-27551862-G-A. GRCh37 (hg19) VCF-style: chr1-27878373-G-A.
Other names: c.254C>T, p.Pro85Leu (NM_001029882.3); short protein forms P85L.
Identifiers: ClinVar variation 2499329 (VCV002499329.1), dbSNP rs2522104647, ClinGen allele CA339238162.

ClinVar aggregate classification (germline): Uncertain significance (1 of 4 stars; one submission).

Submission:

GeneDx
Classification: Uncertain significance. Last evaluated: 2022-10-12. Review status: criteria provided, single submitter. Criteria: GeneDx Variant Classification Process June 2021. Collection method: clinical testing. Allele origin: germline. Affected: yes.
Comment: Not observed at significant frequency in large population cohorts (gnomAD); In silico analysis supports that this missense variant does not alter protein structure/function; Has not been previously published as pathogenic or benign to our knowledge